The following is an entry in ClinVar:

ClinVar aggregate classification (germline): Pathogenic (1 of 4 stars; one submission).

Submission:

GeneDx
Classification: Pathogenic. Last evaluated: 2024-07-25. Review status: criteria provided, single submitter. Criteria: GeneDx Variant Classification Process June 2021. Collection method: clinical testing. Allele origin: germline. Affected: yes.
Comment: Frameshift variant predicted to result in protein truncation or nonsense mediated decay in a gene for which loss of function is a known mechanism of disease; Reported in an individual with cleft palate; detailed clinical information was not provided (PMID: 37589029); Not observed at significant frequency in large population cohorts (gnomAD); This variant is associated with the following publications: (PMID: 37589029)

NM_001844.5(COL2A1):c.1931dup (p.Gly645fs)

Gene: COL2A1 (collagen type II alpha 1 chain; minus strand). Cytogenetic location: 12q13.11.
Variant type: Duplication.
Coding change: c.1931dup on transcript NM_001844.5 (MANE Select); coding-DNA position 1931, one base duplicated (C; older notation c.1931dupC).
Protein change: p.Gly645fs; shifts the reading frame from glycine 645.
Molecular consequence: frameshift variant.
Genome position (GRCh38, 1-based): chr12:47,984,097, G duplicated on the plus strand (C on the coding strand, the reverse complement: COL2A1 is on the minus strand); the first of 5 consecutive G bases (chr12:47,984,097-47,984,101); duplicating any one gives the same sequence. VCF-style (leftmost placement, unchanged base first): chr12-47984096-A-AG. GRCh37 (hg19) VCF-style: chr12-48377879-A-AG.
Other names: c.1724dup, p.Gly576fs (NM_033150.3); short protein forms G576fs, G645fs.
Identifiers: ClinVar variation 3600717 (VCV003600717.1).